The following is an entry in ClinVar:

NM_000077.5(CDKN2A):c.308G>A (p.Arg103Gln)

Gene: CDKN2A (cyclin dependent kinase inhibitor 2A; minus strand). Cytogenetic location: 9p21.3.
Variant type: single nucleotide variant.
Coding change: c.308G>A on transcript NM_000077.5; coding-DNA position 308, G replaced by A.
Protein change: p.Arg103Gln; replaces arginine 103 with glutamine.
Molecular consequence: missense variant (on NM_000077.6). On other transcripts: synonymous variant (1), 3 prime UTR variant (1).
Genome position (GRCh38, 1-based): chr9:21,971,051, C>T on the plus strand (G>A on the coding strand, the complement: CDKN2A is on the minus strand). VCF-style: chr9-21971051-C-T. GRCh37 (hg19) VCF-style: chr9-21971050-C-T.
Other names: c.308G>A, p.Arg103Gln (NM_000077.6, NM_001195132.2); c.155G>A, p.Arg52Gln (NM_001363763.2); c.351G>A, p.Ala117= (NM_058195.4); c.*231G>A (NM_058197.5); short protein forms R103Q, R52Q.
Identifiers: ClinVar variation 1141816 (VCV001141816.9), dbSNP rs143282362, ClinGen allele CA5012187.

ClinVar aggregate classification (germline): Uncertain significance. Review status: criteria provided, multiple submitters, no conflicts (2 of 4 stars). 2 submissions from 2 submitters: Uncertain significance (2). Last evaluated 2025-04-19.

Conditions:
Hereditary cancer-predisposing syndrome. Also called: Hereditary neoplastic syndrome; Hereditary Cancer Syndrome; Tumor predisposition; Neoplastic Syndromes, Hereditary. Identifiers: Orphanet 140162, MedGen C0027672, MeSH D009386, MONDO:0015356.
Familial melanoma. Also called: Hereditary melanoma; Hereditary cutaneous melanoma. Identifiers: Orphanet 618, MedGen C1512419, MONDO:0018961.

Allele frequency attached by ClinVar (database versions not stated): gnomAD exomes below 0.00001; TOPMed 0.00001; ESP Exome Variant Server 0.00015.
gnomAD v4.1: 1 of 1,605,464 alleles (0.000062%); highest among the groups gnomAD compares: African/African-American, 0.0013%; no homozygotes.

Submissions (2):

Ambry Genetics
Classification: Uncertain significance for Hereditary cancer-predisposing syndrome. Last evaluated: 2025-04-19. Review status: criteria provided, single submitter. Criteria: Ambry Variant Classification Scheme 2023. Collection method: clinical testing. Allele origin: germline.
Comment: The p.R103Q variant (also known as c.308G>A), located in coding exon 2 of the CDKN2A gene, results from a G to A substitution at nucleotide position 308. The arginine at codon 103 is replaced by glutamine, an amino acid with highly similar properties. Of note, this variant is also known as c.351G>A (p.A117A) in the p14(ARF) isoform. This amino acid position is well conserved in available vertebrate species; however, glutamine is the reference amino acid in other vertebrate species. In addition, the in silico prediction for this alteration is inconclusive. Based on the available evidence, the clinical significance of this variant remains unclear.

Labcorp Genetics (formerly Invitae), Labcorp
Classification: Uncertain significance for Familial melanoma. Last evaluated: 2022-01-31. Review status: criteria provided, single submitter. Criteria: Invitae Variant Classification Sherloc (09022015). Collection method: clinical testing. Allele origin: germline.
Comment: This sequence change replaces arginine, which is basic and polar, with glutamine, which is neutral and polar, at codon 103 of the CDKN2A (p16INK4a) protein (p.Arg103Gln). This variant is not present in population databases (gnomAD no frequency). This variant has not been reported in the literature in individuals affected with CDKN2A (p16INK4a)-related conditions. ClinVar contains an entry for this variant (Variation ID: 1141816). Algorithms developed to predict the effect of missense changes on protein structure and function are either unavailable or do not agree on the potential impact of this missense change (SIFT: "Deleterious"; PolyPhen-2: "Benign"; Align-GVGD: "Class C0"). In summary, the available evidence is currently insufficient to determine the role of this variant in disease. Therefore, it has been classified as a Variant of Uncertain Significance.